The following is an entry in ClinVar:

NM_001852.4(COL9A2):c.1237C>T (p.Pro413Ser)

Gene: COL9A2 (collagen type IX alpha 2 chain; minus strand). Cytogenetic location: 1p34.2.
Variant type: single nucleotide variant.
Coding change: c.1237C>T on transcript NM_001852.4 (MANE Select); coding-DNA position 1237, C replaced by T.
Protein change: p.Pro413Ser; replaces proline 413 with serine.
Molecular consequence: missense variant.
Genome position (GRCh38, 1-based): chr1:40,304,370, G>A on the plus strand (C>T on the coding strand, the complement: COL9A2 is on the minus strand). VCF-style: chr1-40304370-G-A. GRCh37 (hg19) VCF-style: chr1-40770042-G-A.
Other names: short protein forms P413S.
Identifiers: ClinVar variation 689606 (VCV000689606.17), dbSNP rs201985170, ClinGen allele CA791521.

ClinVar aggregate classification (germline): Conflicting classifications of pathogenicity. Review status: criteria provided, conflicting classifications (1 of 4 stars). 6 submissions from 6 submitters: Uncertain significance (1); Benign (2); Likely benign (2). 1 of the submissions does not count toward it. Last evaluated 2026-09-29.

Conditions:
Epiphyseal dysplasia, multiple, 2 (EDM2). Also called: COL9A2-Related Multiple Epiphyseal Dysplasia. Identifiers: MedGen C1838429, MONDO:0010844, OMIM 600204.
COL9A2-related disorder. Also called: COL9A2-related condition.
Stickler syndrome, type 5 (STL5). Also called: COL9A2-Related Stickler Syndrome. Identifiers: Orphanet 250984, Orphanet 828, MedGen C3280342, MONDO:0013666, OMIM 614284.

Allele frequency attached by ClinVar (database versions not stated): gnomAD 0.00009 and 0.00012; gnomAD exomes 0.00006 and 0.00015; TOPMed 0.00020; 1000 Genomes Project 30x 0.00016; 1000 Genomes Project 0.00020; ExAC 0.00033.
gnomAD v4.1: 102 of 1,588,370 alleles (0.0064%); highest among the groups gnomAD compares: East Asian, 0.23%; 1 homozygote.

Submissions (6):

GeneDx
Classification: Uncertain significance. Last evaluated: 2026-09-29. Review status: criteria provided, single submitter. Criteria: GeneDx Variant Classification Process June 2021. Collection method: clinical testing. Allele origin: germline.
Comment: Has not been previously published as pathogenic or benign to our knowledge; In silico analysis suggests that this missense variant does not alter protein structure/function

Labcorp Genetics (formerly Invitae), Labcorp
Classification: Likely benign. Last evaluated: 2026-01-26. Review status: criteria provided, single submitter. Criteria: Invitae Variant Classification Sherloc (09022015). Collection method: clinical testing. Allele origin: germline.

Blueprint Genetics
Classification: Benign. Last evaluated: 2024-02-28. Review status: criteria provided, single submitter. Criteria: ACMG Guidelines, 2015. Collection method: clinical testing. Allele origin: germline.

Illumina Laboratory Services, Illumina
Classification: Benign for Epiphyseal dysplasia, multiple, 2. Last evaluated: 2018-01-13. Review status: criteria provided, single submitter. Criteria: ICSL Variant Classification Criteria 13 December 2019. Collection method: clinical testing. Allele origin: germline.
Comment: This variant was observed in the ICSL laboratory as part of a predisposition screen in an ostensibly healthy population. It had not been previously curated by ICSL or reported in the Human Gene Mutation Database (HGMD: prior to June 1st, 2018), and was therefore a candidate for classification through an automated scoring system. Utilizing variant allele frequency, disease prevalence and penetrance estimates, and inheritance mode, an automated score was calculated to assess if this variant is too frequent to cause the disease. Based on the score and internal cut-off values, a variant classified as benign is not then subjected to further curation. The score for this variant resulted in a classification of benign for this disease.

Genetic Testing Center for Deafness, Department of Otolaryngology Head & Neck Surgery, Institute of Otolaryngology, Chinese PLA General Hospital
Classification: Likely benign for Stickler syndrome, type 5. Review status: criteria provided, single submitter. Criteria: ClinGen HL ACMG Specifications v1. Collection method: case-control. Allele origin: paternal. Affected: no. Observed: 2 variant alleles.

PreventionGenetics, part of Exact Sciences
Classification: Likely benign for COL9A2-related condition. Last evaluated: 2023-10-19. Review status: no assertion criteria provided. Collection method: clinical testing. Allele origin: germline. Not counted in ClinVar's aggregate classification.
Comment: This variant is classified as likely benign based on ACMG/AMP sequence variant interpretation guidelines (Richards et al. 2015 PMID: 25741868, with internal and published modifications).